The following is an entry in ClinVar:

NM_014491.4(FOXP2):c.528G>A (p.Gln176=)

Gene: FOXP2 (forkhead box P2; plus strand). Cytogenetic location: 7q31.1.
Variant type: single nucleotide variant.
Coding change: c.528G>A on transcript NM_014491.4 (MANE Select); coding-DNA position 528, G replaced by A.
Protein change: p.Gln176=; no amino-acid change (glutamine 176 retained).
Molecular consequence: synonymous variant. On other transcripts: non-coding transcript variant (2).
Genome position (GRCh38, 1-based): chr7:114,629,936, G>A. VCF-style: chr7-114629936-G-A. GRCh37 (hg19) VCF-style: chr7-114269991-G-A.
Other names: c.528G>A, p.Gln176= (NM_001172766.3, NM_148899.3); c.603G>A, p.Gln201= (NM_001172767.2, NM_148898.4); c.579G>A, p.Gln193= (NM_148900.4).
Identifiers: ClinVar variation 3904813 (VCV003904813.10).
Genomic context (GRCh38, chr7:114,629,936, plus strand): 5'-ACAGCAGCAGCAGCAACAACAGCAGCAACAACAGCAGCAGCAACAACAACAACAACAGCA[G>A]CAACAACAGCAGCAGCAGCAGCAACAGCAGCAGCAGCAGCAACAGCATCCTGGAAAGCAA-3'
Protein context (NP_055306.1, residues 166-186): QQQQQQQQQQ[Gln176=]QQQQQQQQQQ

ClinVar aggregate classification (germline): Likely benign (1 of 4 stars; one submission).

Submission:

CeGaT Center for Human Genetics Tuebingen
Classification: Likely benign. Last evaluated: 2025-05-01. Review status: criteria provided, single submitter. Criteria: CeGaT Center For Human Genetics Tuebingen Variant Classification Criteria Version 2. Collection method: clinical testing. Allele origin: germline. Affected: yes. Observed: 1 variant allele.
Comment: FOXP2: BP4, BP7